The following is an entry in ClinVar:

ClinVar aggregate classification (germline): Uncertain significance (1 of 4 stars; one submission).

gnomAD v4.1: 2 of 1,613,966 alleles (0.00012%); highest among the groups gnomAD compares: East Asian, 0.0022%; no homozygotes.

Submission:

GeneDx
Classification: Uncertain significance. Last evaluated: 2024-05-20. Review status: criteria provided, single submitter. Criteria: GeneDx Variant Classification Process June 2021. Collection method: clinical testing. Allele origin: germline. Affected: yes.
Comment: Not observed at significant frequency in large population cohorts (gnomAD); In silico analysis supports that this missense variant has a deleterious effect on protein structure/function; Has not been previously published as pathogenic or benign to our knowledge; This substitution is predicted to be in the cytoplasmic loop between the first and second homologous domains

NM_001040142.2(SCN2A):c.1414A>G (p.Arg472Gly)

Gene: SCN2A (sodium voltage-gated channel alpha subunit 2; plus strand). Cytogenetic location: 2q24.3.
Variant type: single nucleotide variant.
Coding change: c.1414A>G on transcript NM_001040142.2 (MANE Select); coding-DNA position 1414, A replaced by G.
Protein change: p.Arg472Gly; replaces arginine 472 with glycine.
Molecular consequence: missense variant.
Genome position (GRCh38, 1-based): chr2:165,315,501, A>G. VCF-style: chr2-165315501-A-G. GRCh37 (hg19) VCF-style: chr2-166172011-A-G.
Other names: c.1414A>G, p.Arg472Gly (NM_001040143.2, NM_001371246.1, NM_001371247.1 and 1 more transcripts); short protein forms R472G.
Identifiers: ClinVar variation 3381477 (VCV003381477.1).
Genomic context (GRCh38, chr2:165,315,501, plus strand): 5'-GCAACTTCCACATACTTTGCGCCCTTCTAGGCGGCAGCTGCAGCCGCATCTGCTGAATCA[A>G]GAGACTTCAGTGGTGCTGGTGGGATAGGAGTTTTTTCAGAGAGTTCTTCAGTAGCATCTA-3'
Protein context (NP_001035232.1, residues 462-482): AAAAAASAES[Arg472Gly]DFSGAGGIGV